The following is an entry in ClinVar:

NM_000243.3(MEFV):c.959G>C (p.Gly320Ala)

Gene: MEFV (MEFV innate immunity regulator, pyrin; minus strand). Cytogenetic location: 16p13.3.
Variant type: single nucleotide variant.
Coding change: c.959G>C on transcript NM_000243.3 (MANE Select); coding-DNA position 959, G replaced by C.
Protein change: p.Gly320Ala; replaces glycine 320 with alanine.
Molecular consequence: missense variant.
Genome position (GRCh38, 1-based): chr16:3,249,732, C>G on the plus strand (G>C on the coding strand, the complement: MEFV is on the minus strand). VCF-style: chr16-3249732-C-G. GRCh37 (hg19) VCF-style: chr16-3299732-C-G.
Other names: c.326G>C, p.Gly109Ala (NM_001198536.2); short protein forms G320A, G109A.
Identifiers: ClinVar variation 234361 (VCV000234361.15), dbSNP rs374412819, ClinGen allele CA7860264.

ClinVar aggregate classification (germline): Conflicting classifications of pathogenicity. Review status: criteria provided, conflicting classifications (1 of 4 stars). 7 submissions from 5 submitters: Uncertain significance (4); Likely benign (2). 1 of the submissions does not count toward it. Last evaluated 2024-08-05.

Conditions:
Familial Mediterranean fever, autosomal dominant. Also called: Dominant Familial Mediterranean Fever; FMF, AUTOSOMAL DOMINANT. Identifiers: Orphanet 342, MedGen C1851347, MONDO:0007601, OMIM 134610.
Acute febrile neutrophilic dermatosis (AFND). Also called: Sweet Syndrome; Gomm Button disease. Identifiers: Orphanet 3243, MedGen C0085077, MONDO:0011959, OMIM 608068.
Familial Mediterranean fever (FMF). Also called: POLYSEROSITIS, FAMILIAL PAROXYSMAL; POLYSEROSITIS, RECURRENT; Periodic peritonitis; Benign paroxysmal peritonitis. Identifiers: Orphanet 342, MedGen C0031069, MONDO:0018088, OMIM 249100. Disease mechanism: gain of function.

Allele frequency attached by ClinVar (database versions not stated): gnomAD 0.00009 and 0.00007; ESP Exome Variant Server 0.00008; TOPMed 0.00007.
gnomAD v4.1: 17 of 1,613,996 alleles (0.0011%); highest among the groups gnomAD compares: African/African-American, 0.021%; no homozygotes.

Submissions (7):

Labcorp Genetics (formerly Invitae), Labcorp
Classification: Uncertain significance for Familial Mediterranean fever. Last evaluated: 2024-08-05. Review status: criteria provided, single submitter. Criteria: Invitae Variant Classification Sherloc (09022015). Collection method: clinical testing. Allele origin: germline.
Comment: This sequence change replaces glycine, which is neutral and non-polar, with alanine, which is neutral and non-polar, at codon 320 of the MEFV protein (p.Gly320Ala). This variant is present in population databases (rs374412819, gnomAD 0.04%). This variant has not been reported in the literature in individuals affected with MEFV-related conditions. ClinVar contains an entry for this variant (Variation ID: 234361). An algorithm developed to predict the effect of missense changes on protein structure and function outputs the following: PolyPhen-2: "Possibly Damaging". The alanine amino acid residue is found in multiple mammalian species, which suggests that this missense change does not adversely affect protein function. In summary, the available evidence is currently insufficient to determine the role of this variant in disease. Therefore, it has been classified as a Variant of Uncertain Significance.

Fulgent Genetics
Classification: Uncertain significance for Familial Mediterranean fever, autosomal dominant; Familial Mediterranean fever; Acute febrile neutrophilic dermatosis. Last evaluated: 2024-03-07. Review status: criteria provided, single submitter. Criteria: ACMG Guidelines, 2015. Collection method: clinical testing. Allele origin: germline.

Genome-Nilou Lab
Classification: Uncertain significance for Familial Mediterranean fever. Last evaluated: 2023-02-08. Review status: criteria provided, single submitter. Criteria: ACMG Guidelines, 2015. Collection method: clinical testing. Allele origin: germline.

Genome-Nilou Lab
Classification: Likely benign for Familial Mediterranean fever, autosomal dominant. Last evaluated: 2023-02-08. Review status: criteria provided, single submitter. Criteria: ACMG Guidelines, 2015. Collection method: clinical testing. Allele origin: germline.

Genome-Nilou Lab
Classification: Likely benign for Acute febrile neutrophilic dermatosis. Last evaluated: 2023-02-08. Review status: criteria provided, single submitter. Criteria: ACMG Guidelines, 2015. Collection method: clinical testing. Allele origin: germline.

GeneDx
Classification: Uncertain significance. Last evaluated: 2014-06-03. Review status: criteria provided, single submitter. Criteria: GeneDx Variant Classification (06012015). Collection method: clinical testing. Allele origin: germline. Affected: yes.
Comment: The G320A variant has not been published as a mutation, nor has it been reported as a benign polymorphism to our knowledge. The G320A variant was not observed at any significant frequency in approximately 6,400 individuals of European and African American ancestry in the NHLBI Exome Sequencing Project. The G320A variant is a conservative amino acid substitution, which is not likely to impact secondary protein structure as these residues share similar properties, and it occurs at a position that is not conserved across species. In silico analysis is inconsistent in its predictions as to whether or not the variant is damaging to the protein structure/function. A missense mutation in a nearby residue (E319K) has been reported in the Human Gene Mutation Database in association with FMF (Stenson et al., 2009), supporting the functional importance of this region of the protein. Therefore, based on the currently available information, it is unclear whether this variant is a pathogenic mutation or a rare benign variant.

Natera, Inc.
Classification: Uncertain significance for Familial Mediterranean fever. Last evaluated: 2019-10-28. Review status: no assertion criteria provided. Collection method: clinical testing. Allele origin: germline. Not counted in ClinVar's aggregate classification.